The following is an entry in ClinVar:

NM_005027.4(PIK3R2):c.2099del (p.Ser700fs)

Gene: PIK3R2 (phosphoinositide-3-kinase regulatory subunit 2; plus strand). Cytogenetic location: 19p13.11.
Variant type: Deletion.
Coding change: c.2099del on transcript NM_005027.4 (MANE Select); coding-DNA position 2099, one base deleted (C; older notation c.2099delC).
Protein change: p.Ser700fs; shifts the reading frame from serine 700.
Molecular consequence: frameshift variant. On other transcripts: non-coding transcript variant (2).
Genome position (GRCh38, 1-based): chr19:18,169,206, C deleted. VCF-style (leftmost placement, unchanged base first): chr19-18169205-TC-T. GRCh37 (hg19) VCF-style: chr19-18280015-TC-T.
Other names: short protein forms S700fs.
Identifiers: ClinVar variation 2393963 (VCV002393963.2), dbSNP rs2043842716, ClinGen allele CA2326217966.
Genomic context (GRCh38, chr19:18,169,205, plus strand): 5'-GCGGAGCCCTACAACCTGTACGGGTCGCTGAAGGAGCTGGTGCTGCACTACCAGCACGCC[TC>T]GCTGGTGCAGCACAACGACGCGCTCACCGTCACCCTGGCGCACCCAGTGCGCGCCCCGGG-3'

ClinVar aggregate classification (germline): Uncertain significance (1 of 4 stars; one submission).

Conditions:
Inborn genetic diseases. Identifiers: MedGen C0950123, MeSH D030342.

Submission:

Ambry Genetics
Classification: Uncertain significance for Inborn genetic diseases. Last evaluated: 2021-07-20. Review status: criteria provided, single submitter. Criteria: Ambry Variant Classification Scheme 2023. Collection method: clinical testing. Allele origin: germline.
Comment: Loss of function has not been clearly established as a mechanism of disease Based on insufficient or conflicting evidence, the clinical significance of this alteration remains unclear.